The following is an entry in ClinVar:

NM_172362.3(KCNH1):c.2764C>A (p.Leu922Met)

Gene: KCNH1 (potassium voltage-gated channel subfamily H member 1; minus strand). Cytogenetic location: 1q32.2.
Variant type: single nucleotide variant.
Coding change: c.2764C>A on transcript NM_172362.3 (MANE Select); coding-DNA position 2764, C replaced by A.
Protein change: p.Leu922Met; replaces leucine 922 with methionine.
Molecular consequence: missense variant.
Genome position (GRCh38, 1-based): chr1:210,683,487, G>T on the plus strand (C>A on the coding strand, the complement: KCNH1 is on the minus strand). VCF-style: chr1-210683487-G-T. GRCh37 (hg19) VCF-style: chr1-210856829-G-T.
Other names: c.2683C>A, p.Leu895Met (NM_002238.4); short protein forms L895M, L922M.
Identifiers: ClinVar variation 3633723 (VCV003633723.2).

ClinVar aggregate classification (germline): Uncertain significance (1 of 4 stars; one submission).

Submission:

Labcorp Genetics (formerly Invitae), Labcorp
Classification: Uncertain significance. Last evaluated: 2024-07-30. Review status: criteria provided, single submitter. Criteria: Invitae Variant Classification Sherloc (09022015). Collection method: clinical testing. Allele origin: germline.
Comment: This sequence change replaces leucine, which is neutral and non-polar, with methionine, which is neutral and non-polar, at codon 922 of the KCNH1 protein (p.Leu922Met). This variant is not present in population databases (gnomAD no frequency). This variant has not been reported in the literature in individuals affected with KCNH1-related conditions. Advanced modeling of protein sequence and biophysical properties (such as structural, functional, and spatial information, amino acid conservation, physicochemical variation, residue mobility, and thermodynamic stability) performed at Invitae indicates that this missense variant is not expected to disrupt KCNH1 protein function with a negative predictive value of 95%. In summary, the available evidence is currently insufficient to determine the role of this variant in disease. Therefore, it has been classified as a Variant of Uncertain Significance.